The following is an entry in ClinVar:

NM_004304.5(ALK):c.4773G>T (p.Leu1591Phe)

Gene: ALK (ALK receptor tyrosine kinase; minus strand). Cytogenetic location: 2p23.2.
Variant type: single nucleotide variant.
Coding change: c.4773G>T on transcript NM_004304.5 (MANE Select); coding-DNA position 4773, G replaced by T.
Protein change: p.Leu1591Phe; replaces leucine 1591 with phenylalanine.
Molecular consequence: missense variant.
Genome position (GRCh38, 1-based): chr2:29,193,314, C>A on the plus strand (G>T on the coding strand, the complement: ALK is on the minus strand). VCF-style: chr2-29193314-C-A. GRCh37 (hg19) VCF-style: chr2-29416180-C-A.
Other names: c.1569G>T, p.Leu523Phe (NM_001353765.2); short protein forms L523F, L1591F.
Identifiers: ClinVar variation 1929144 (VCV001929144.5), dbSNP rs1668922602, ClinGen allele CA346460273.

ClinVar aggregate classification (germline): Uncertain significance (1 of 4 stars; one submission).

Conditions:
Neuroblastoma, susceptibility to, 3. Also called: ALK-Related Neuroblastic Tumor Susceptibility. Identifiers: Orphanet 635, MedGen C2751681, MONDO:0013083, OMIM 613014.

Submission:

Labcorp Genetics (formerly Invitae), Labcorp
Classification: Uncertain significance for Neuroblastoma, susceptibility to, 3. Last evaluated: 2022-07-01. Review status: criteria provided, single submitter. Criteria: Invitae Variant Classification Sherloc (09022015). Collection method: clinical testing. Allele origin: germline.
Comment: In summary, the available evidence is currently insufficient to determine the role of this variant in disease. Therefore, it has been classified as a Variant of Uncertain Significance. Algorithms developed to predict the effect of missense changes on protein structure and function output the following: SIFT: "Tolerated"; PolyPhen-2: "Benign"; Align-GVGD: "Class C0". The phenylalanine amino acid residue is found in multiple mammalian species, which suggests that this missense change does not adversely affect protein function. This variant has not been reported in the literature in individuals affected with ALK-related conditions. This variant is not present in population databases (gnomAD no frequency). This sequence change replaces leucine, which is neutral and non-polar, with phenylalanine, which is neutral and non-polar, at codon 1591 of the ALK protein (p.Leu1591Phe).